The following is an entry in ClinVar:

NM_000492.4(CFTR):c.3209G>A (p.Arg1070Gln)

Genes: CFTR (CF transmembrane conductance regulator; plus strand), CFTR-AS2 (CFTR antisense RNA 2; minus strand), LOC111674472 (DNase I hypersensitive sites in introns 16 and 17a of CFTR; plus strand). Cytogenetic location: 7q31.2.
Variant type: single nucleotide variant.
Coding change: c.3209G>A on transcript NM_000492.4 (MANE Select); coding-DNA position 3209, G replaced by A.
Protein change: p.Arg1070Gln; replaces arginine 1070 with glutamine.
Molecular consequence: missense variant.
Genome position (GRCh38, 1-based): chr7:117,611,650, G>A. VCF-style: chr7-117611650-G-A. GRCh37 (hg19) VCF-style: chr7-117251704-G-A.
Other names: short protein forms R1070Q.
Identifiers: ClinVar variation 35866 (VCV000035866.89), dbSNP rs78769542, ClinGen allele CA275095.

ClinVar aggregate classification (germline): drug response. Review status: reviewed by expert panel (3 of 4 stars). 33 submissions from 30 submitters: drug response (1). 32 of the submissions do not count toward it. Last evaluated 2021-03-24.

Conditions:
Respiratory ciliopathies including non-CF bronchiectasis.
CFTR-related disorder (CFTR-RD). Also called: CFTR-related disorders; CFTR-related condition. Identifiers: MedGen C5924204, MONDO:7770004.
Cystic fibrosis (CF). Also called: MUCOVISCIDOSIS. Identifiers: Orphanet 586, MedGen C0010674, MONDO:0009061, OMIM 219700. Disease mechanism: loss of function.
Congenital bilateral aplasia of vas deferens from CFTR mutation (CBAVD). Identifiers: Orphanet 48, MedGen C0403814, MONDO:0010178, OMIM 277180. Disease mechanism: loss of function.
Bronchiectasis with or without elevated sweat chloride 1 (BESC1). Also called: Cystic Fibrosis-Like Syndrome. Identifiers: Orphanet 60033, MedGen C2749757, MONDO:0008887, OMIM 211400.
Hereditary pancreatitis (PCTT). Also called: Hereditary chronic pancreatitis; PRSS1-Related Hereditary Pancreatitis. Identifiers: Orphanet 676, MedGen C0238339, MONDO:0008185, OMIM 167800.
ivacaftor response - Efficacy. Identifiers: MedGen CN322735.
Obstructive azoospermia. Identifiers: MedGen C4023106, HP:0011962.

Allele frequency attached by ClinVar (database versions not stated): gnomAD 0.00006 and 0.00030; ESP Exome Variant Server 0.00008; TOPMed 0.00009; gnomAD exomes 0.00031 and 0.00061; ExAC 0.00081; 1000 Genomes Project 30x 0.00094; 1000 Genomes Project 0.00120.
gnomAD v4.1: 496 of 1,613,422 alleles (0.031%); highest among the groups gnomAD compares: South Asian, 0.47%; 6 homozygotes.

Submissions 1 to 7 of 33:

ClinPGx
Classification: drug response for ivacaftor response - Efficacy. Last evaluated: 2021-03-24. Review status: reviewed by expert panel. Criteria: Pharmacogenomics knowledge for personalized medicine. Collection method: curation. Allele origin: germline. Affected: yes.
Comment: PharmGKB Level of Evidence 1A: Level 1A clinical annotations describe variant-drug combinations that have variant-specific prescribing guidance available in a current clinical guideline annotation or an FDA-approved drug label annotation. Annotations of drug labels or clinical guidelines must give prescribing guidance for specific variants (e.g. CYP2C9*3, HLA-B*57:01) or provide mapping from defined allele functions to diplotypes and phenotypes to be used as supporting evidence for a level 1A clinical annotation. Level 1A clinical annotations must also be supported by at least one publication in addition to a clinical guideline or drug label with variant-specific prescribing guidance.

Drug is not necessarily used to treat response condition

PreventionGenetics, part of Exact Sciences
Classification: Pathogenic for CFTR-related condition. Last evaluated: 2026-07-20. Review status: criteria provided, single submitter. Criteria: ACMG Guidelines, 2015. Collection method: clinical testing. Allele origin: germline. Not counted in ClinVar's aggregate classification.
Comment: The CFTR c.3209G>A variant is predicted to result in the amino acid substitution p.Arg1070Gln. This variant has been reported to be causative for cystic fibrosis (Mercier et al. 1993. PubMed ID: 7683628; Krasnov et al. 2008. PubMed ID: 18951463; Mickle et al. 2000. PubMed: 10762539). Note that this variant has been reported on the same allele (in cis) with p.Ser466* in a subset of individuals (see, for example, Krasnov et al. 2008. PubMed ID: 18951463). This variant is reported in 0.47% of alleles in individuals of South Asian descent in gnomAD. This variant is interpreted as pathogenic.

Institute of Human Genetics, University of Leipzig Medical Center
Classification: Likely pathogenic for Cystic fibrosis. Last evaluated: 2026-04-09. Review status: criteria provided, single submitter. Criteria: ACMG Guidelines, 2015. Collection method: clinical testing. Allele origin: unknown. Inheritance: Autosomal recessive inheritance. Affected: yes. Not counted in ClinVar's aggregate classification.
Comment: Criteria applied: PS3,PM3,PM5,PP3,PP4,BS2

CeGaT Center for Human Genetics Tuebingen
Classification: Pathogenic. Last evaluated: 2026-02-01. Review status: criteria provided, single submitter. Criteria: CeGaT Center For Human Genetics Tuebingen Variant Classification Criteria Version 2. Collection method: clinical testing. Allele origin: germline. Affected: yes. Observed: 3 variant alleles. Not counted in ClinVar's aggregate classification.
Comment: CFTR: PM3:Very Strong, PM2, PM5, PP3, PP4, PS3:Supporting

Labcorp Genetics (formerly Invitae), Labcorp
Classification: Likely pathogenic for Cystic fibrosis. Last evaluated: 2026-02-01. Review status: criteria provided, single submitter. Criteria: Invitae Variant Classification Sherloc (09022015). Collection method: clinical testing. Allele origin: germline. Not counted in ClinVar's aggregate classification.
Comment: This sequence change replaces arginine, which is basic and polar, with glutamine, which is neutral and polar, at codon 1070 of the CFTR protein (p.Arg1070Gln). This variant is present in population databases (rs78769542, gnomAD 0.5%), including at least one homozygous and/or hemizygous individual. This missense change has been observed in individual(s) with cystic fibrosis or congenital bilateral absence of the vas deferens. While this variant is commonly found in cis with p.Ser466*, it has also been observed without p.Ser466* in affected individuals and is expected to be causative for CFTR-related conditions whether p.Ser466* is present or not (PMID: 12955726, 18467194, 18951463, internal data). Some individuals with this variant may present with milder symptoms. ClinVar contains an entry for this variant (Variation ID: 35866). Invitae Evidence Modeling of protein sequence and biophysical properties (such as structural, functional, and spatial information, amino acid conservation, physicochemical variation, residue mobility, and thermodynamic stability) indicates that this missense variant is not expected to disrupt CFTR protein function with a negative predictive value of 80%. Experimental studies have shown that this missense change affects CFTR function (PMID: 8662892, 8702904, 11242048, 23891399). This variant disrupts the p.Arg1070 amino acid residue in CFTR. Other variant(s) that disrupt this residue have been determined to be pathogenic (PMID: 7539342, 16189704, 21520337, 23974870). This suggests that this residue is clinically significant, and that variants that disrupt this residue are likely to be disease-causing. In summary, the currently available evidence indicates that the variant is pathogenic, but additional data are needed to prove that conclusively. Therefore, this variant has been classified as Likely Pathogenic.

Natera, Inc.
Classification: Likely pathogenic for CFTR-related disorders. Last evaluated: 2025-12-31. Review status: criteria provided, single submitter. Criteria: Natera Variant Classification Schema (03/2026). Collection method: clinical testing. Allele origin: germline. Not counted in ClinVar's aggregate classification.
Comment: The c.3209G>A variant in CFTR is a missense variant predicted to cause substitution of arginine to glutamine at amino acid 1070. This variant is rare in the general population with a frequency below the threshold expected for the associated phenotype(s). This variant has been observed in one or more individuals affected with the associated recessive disease, as either homozygous or compound heterozygous with a second variant (PMID: 33083013, 18951463, 32084388, 18467194, 12955726, 8947061). Computational prediction algorithms indicate this variant is likely to affect gene or protein function. Given the available evidence, this variant is classified as Likely Pathogenic.

3billion
Classification: Pathogenic for Cystic fibrosis. Last evaluated: 2025-09-24. Review status: criteria provided, single submitter. Criteria: ACMG Guidelines, 2015. Collection method: clinical testing. Allele origin: germline. Affected: yes. Not counted in ClinVar's aggregate classification.
Comment: The variant is observed at an extremely low frequency in the gnomAD v4.1.0 dataset (total allele frequency: 0.031%). Predicted Consequence/Location: Missense variant In silico tool predictions suggest damaging effect of the variant on gene or gene product [REVEL: 0.70 (>=0.6, sensitivity 0.68 and specificity 0.92); 3Cnet: 0.90 (> 0.75, sensitivity 0.96 and precision 0.92)]. The same nucleotide change resulting in the same amino acid change has been previously reported as pathogenic/likely pathogenic with strong evidence (ClinVar ID: VCV000035866 /PMID: 7683628). Different missense changes at the same codon (p.Arg1070Pro, p.Arg1070Trp) have been reported as pathogenic/likely pathogenic with strong evidence (ClinVar ID: VCV000053685, VCV000053686 /PMID: 7539342, 9401006). Therefore, this variant is classified as Pathogenic according to the recommendation of ACMG/AMP guideline.